The following is an entry in ClinVar:

ClinVar aggregate classification (germline): Likely pathogenic (1 of 4 stars; one submission).

Conditions:
Ullrich congenital muscular dystrophy 2 (UCMD2). Identifiers: Orphanet 75840, MedGen C4225314, MONDO:0014654, OMIM 616470.
Bethlem myopathy 2 (BTHLM2). Identifiers: Orphanet 536516, Orphanet 610, MedGen C4225313, MONDO:0034022, OMIM 616471.

Submission:

Labcorp Genetics (formerly Invitae), Labcorp
Classification: Likely pathogenic for Bethlem myopathy 2; Ullrich congenital muscular dystrophy 2. Last evaluated: 2022-07-05. Review status: criteria provided, single submitter. Criteria: Invitae Variant Classification Sherloc (09022015). Collection method: clinical testing. Allele origin: germline.
Comment: In summary, the currently available evidence indicates that the variant is pathogenic, but additional data are needed to prove that conclusively. Therefore, this variant has been classified as Likely Pathogenic. Algorithms developed to predict the effect of sequence changes on RNA splicing suggest that this variant may disrupt the consensus splice site. ClinVar contains an entry for this variant (Variation ID: 1522794). This variant has not been reported in the literature in individuals affected with COL12A1-related conditions. This variant is not present in population databases (gnomAD no frequency). This sequence change affects an acceptor splice site in intron 52 of the COL12A1 gene. It is expected to disrupt RNA splicing. Variants that disrupt the donor or acceptor splice site typically lead to a loss of protein function (PMID: 16199547), and loss-of-function variants in COL12A1 are known to be pathogenic (PMID: 24334604, 28973083).

Literature cited by the submitters: PubMed 16199547; PubMed 24334604; PubMed 28973083.

NM_004370.6(COL12A1):c.8101-1G>T

Gene: COL12A1 (collagen type XII alpha 1 chain; minus strand). Cytogenetic location: 6q13.
Variant type: single nucleotide variant.
Coding change: c.8101-1G>T on transcript NM_004370.6 (MANE Select); the canonical splice acceptor site of the intron before coding-DNA position 8101, G replaced by T.
Molecular consequence: splice acceptor variant.
Genome position (GRCh38, 1-based): chr6:75,106,497, C>A on the plus strand (G>T on the coding strand, the complement: COL12A1 is on the minus strand). VCF-style: chr6-75106497-C-A. GRCh37 (hg19) VCF-style: chr6-75816213-C-A.
Other names: c.4609-1G>T (NM_080645.3).
Identifiers: ClinVar variation 1522794 (VCV001522794.6), dbSNP rs2149349312, ClinGen allele CA364741438.